The following is an entry in ClinVar:

NM_016120.4(RLIM):c.281A>G (p.Asn94Ser)

Gene: RLIM (ring finger protein, LIM domain interacting; minus strand). Cytogenetic location: Xq13.2.
Variant type: single nucleotide variant.
Coding change: c.281A>G on transcript NM_016120.4 (MANE Select); coding-DNA position 281, A replaced by G.
Protein change: p.Asn94Ser; replaces asparagine 94 with serine.
Molecular consequence: missense variant.
Genome position (GRCh38, 1-based): chrX:74,593,034, T>C on the plus strand (A>G on the coding strand, the complement: RLIM is on the minus strand). VCF-style: chrX-74593034-T-C. GRCh37 (hg19) VCF-style: chrX-73812869-T-C.
Other names: c.281A>G, p.Asn94Ser (NM_183353.3); short protein forms N94S.
Identifiers: ClinVar variation 4882250 (VCV004882250.2).

ClinVar aggregate classification (germline): Uncertain significance (1 of 4 stars; one submission).

Submission:

Dasa
Classification: Uncertain significance. Last evaluated: 2024-11-01. Review status: criteria provided, single submitter. Criteria: DASA Assertion Criteria. Collection method: clinical testing. Allele origin: germline.
Comment: NM_016120.4(RLIM):c.281A>G (p.Asn94Ser) is a missense variant that results in the substitution of asparagine with serine. This variant is absent from population databases. Computational prediction algorithms are consistent with a benign effect. The currently available literature and clinical evidence are not sufficient to establish a definitive association between this variant and the reported condition. Therefore, this variant is classified as a variant of uncertain significance.